The following is an entry in ClinVar:

ClinVar aggregate classification (germline): Likely benign (1 of 4 stars; one submission).

Conditions:
ASCC3-related condition.

gnomAD v4.1: 47 of 1,613,718 alleles (0.0029%); highest among the groups gnomAD compares: African/African-American, 0.049%; no homozygotes.

Submission:

PreventionGenetics, part of Exact Sciences
Classification: Likely benign for ASCC3-related condition. Last evaluated: 2026-08-05. Review status: criteria provided, single submitter. Criteria: ACMG Guidelines, 2015. Collection method: clinical testing. Allele origin: germline.
Comment: This variant is classified as likely benign based on ACMG/AMP sequence variant interpretation guidelines (Richards et al. 2015 PMID: 25741868, with internal and published modifications).

NM_006828.4(ASCC3):c.1995A>G (p.Pro665=)

Gene: ASCC3 (activating signal cointegrator 1 complex subunit 3; minus strand). Cytogenetic location: 6q16.3.
Variant type: single nucleotide variant.
Coding change: c.1995A>G on transcript NM_006828.4 (MANE Select); coding-DNA position 1995, A replaced by G.
Protein change: p.Pro665=; no amino-acid change (proline 665 retained).
Molecular consequence: synonymous variant.
Genome position (GRCh38, 1-based): chr6:100,718,159, T>C on the plus strand (A>G on the coding strand, the complement: ASCC3 is on the minus strand). VCF-style: chr6-100718159-T-C. GRCh37 (hg19) VCF-style: chr6-101166035-T-C.
Other names: c.1995A>G, p.Pro665= (NM_001284271.2).
Identifiers: ClinVar variation 4977769 (VCV004977769.1).